The following is an entry in ClinVar:

NM_001042492.3(NF1):c.3855G>T (p.Met1285Ile)

Gene: NF1 (neurofibromin 1; plus strand). Cytogenetic location: 17q11.2.
Variant type: single nucleotide variant.
Coding change: c.3855G>T on transcript NM_001042492.3 (MANE Select); coding-DNA position 3855, G replaced by T.
Protein change: p.Met1285Ile; replaces methionine 1285 with isoleucine.
Molecular consequence: missense variant.
Genome position (GRCh38, 1-based): chr17:31,235,757, G>T. VCF-style: chr17-31235757-G-T. GRCh37 (hg19) VCF-style: chr17-29562775-G-T.
Other names: c.3855G>T, p.Met1285Ile (NM_000267.4); short protein forms M1285I.
Identifiers: ClinVar variation 844732 (VCV000844732.6), dbSNP rs2067189497, ClinGen allele CA398992872.

ClinVar aggregate classification (germline): Uncertain significance (1 of 4 stars; one submission).

Conditions:
Neurofibromatosis, type 1 (NF1). Also called: Peripheral type neurofibromatosis; VON RECKLINGHAUSEN DISEASE; Neurofibromatosis, type I; NEUROFIBROMATOSIS, TYPE I, SOMATIC. Identifiers: Orphanet 636, MedGen C0027831, MONDO:0018975, OMIM 162200. Disease mechanism: loss of function.

Submission:

Labcorp Genetics (formerly Invitae), Labcorp
Classification: Uncertain significance for Neurofibromatosis, type 1. Last evaluated: 2019-11-21. Review status: criteria provided, single submitter. Criteria: Invitae Variant Classification Sherloc (09022015). Collection method: clinical testing. Allele origin: germline.
Comment: This variant is not present in population databases (ExAC no frequency). This sequence change replaces methionine with isoleucine at codon 1285 of the NF1 protein (p.Met1285Ile). The methionine residue is moderately conserved and there is a small physicochemical difference between methionine and isoleucine. This variant has not been reported in the literature in individuals with NF1-related conditions. In summary, the available evidence is currently insufficient to determine the role of this variant in disease. Therefore, it has been classified as a Variant of Uncertain Significance. Algorithms developed to predict the effect of missense changes on protein structure and function are either unavailable or do not agree on the potential impact of this missense change (SIFT: "Tolerated"; PolyPhen-2: "Possibly Damaging"; Align-GVGD: "Class C0").